The following is an entry in ClinVar:

NM_182961.4(SYNE1):c.23146-170T>C

Gene: SYNE1 (spectrin repeat containing nuclear envelope protein 1; minus strand). Cytogenetic location: 6q25.2.
Variant type: single nucleotide variant.
Coding change: c.23146-170T>C on transcript NM_182961.4 (MANE Select); 170 bases into the intron before coding-DNA position 23146, T replaced by C.
Molecular consequence: intron variant.
Genome position (GRCh38, 1-based): chr6:152,189,577, A>G on the plus strand (T>C on the coding strand, the complement: SYNE1 is on the minus strand). VCF-style: chr6-152189577-A-G. GRCh37 (hg19) VCF-style: chr6-152510712-A-G.
Other names: c.22933-170T>C (NM_033071.5).
Identifiers: ClinVar variation 670677 (VCV000670677.1), dbSNP rs2635459, ClinGen allele CA15445263.
Genomic context (GRCh38, chr6:152,189,577, plus strand): 5'-AATATCTAACTTGGGATCTAGAGGCACATCATGGCAATATTACAGATTTGGTTCCAGACC[A>G]CTGAAATAAAGTATATATCACAATAAAGTGAGTCACAAATTTTTTGGTTTCTCAGTGCAT-3'

ClinVar aggregate classification (germline): Benign (1 of 4 stars; one submission).

Allele frequency attached by ClinVar (database versions not stated): TOPMed 0.44069; gnomAD 0.44227 and 0.44508; 1000 Genomes Project 0.44469; 1000 Genomes Project 30x 0.45034.
gnomAD v4.1: 67,106 of 152,038 alleles (44%); highest among the groups gnomAD compares: African/African-American, 62%; 15,776 homozygotes.

Submission:

GeneDx
Classification: Benign. Last evaluated: 2018-06-18. Review status: criteria provided, single submitter. Criteria: GeneDx Variant Classification (06012015). Collection method: clinical testing. Allele origin: germline. Affected: yes.
Comment: This variant is considered likely benign or benign based on one or more of the following criteria: it is a conservative change, it occurs at a poorly conserved position in the protein, it is predicted to be benign by multiple in silico algorithms, and/or has population frequency not consistent with disease.